The following is an entry in ClinVar:

NM_000203.5(IDUA):c.1258G>T (p.Val420Phe)

Gene: IDUA (alpha-L-iduronidase; plus strand). Cytogenetic location: 4p16.3.
Variant type: single nucleotide variant.
Coding change: c.1258G>T on transcript NM_000203.5 (MANE Select); coding-DNA position 1258, G replaced by T.
Protein change: p.Val420Phe; replaces valine 420 with phenylalanine.
Molecular consequence: missense variant. On other transcripts: non-coding transcript variant (1).
Genome position (GRCh38, 1-based): chr4:1,002,800, G>T. VCF-style: chr4-1002800-G-T. GRCh37 (hg19) VCF-style: chr4-996588-G-T.
Other names: c.862G>T, p.Val288Phe (NM_001363576.1); short protein forms V288F, V420F.
Identifiers: ClinVar variation 2162324 (VCV002162324.4), dbSNP rs1029767148, ClinGen allele CA355963712.

ClinVar aggregate classification (germline): Uncertain significance (1 of 4 stars; one submission).

Conditions:
Mucopolysaccharidosis type 1. Also called: IDUA deficiency; MPS I; Mucopolysaccharidosis Type I. Identifiers: Orphanet 579, MedGen C0023786, MONDO:0001586.

gnomAD v4.1: 1 of 1,465,554 alleles (0.000068%); highest among the groups gnomAD compares: Non-Finnish European, 0.00009%; no homozygotes.

Submission:

Labcorp Genetics (formerly Invitae), Labcorp
Classification: Uncertain significance for Mucopolysaccharidosis type 1. Last evaluated: 2021-12-25. Review status: criteria provided, single submitter. Criteria: Invitae Variant Classification Sherloc (09022015). Collection method: clinical testing. Allele origin: germline.
Comment: This sequence change replaces valine, which is neutral and non-polar, with phenylalanine, which is neutral and non-polar, at codon 420 of the IDUA protein (p.Val420Phe). This variant is not present in population databases (gnomAD no frequency). This variant has not been reported in the literature in individuals affected with IDUA-related conditions. Advanced modeling of protein sequence and biophysical properties (such as structural, functional, and spatial information, amino acid conservation, physicochemical variation, residue mobility, and thermodynamic stability) performed at Invitae indicates that this missense variant is expected to disrupt IDUA protein function. In summary, the available evidence is currently insufficient to determine the role of this variant in disease. Therefore, it has been classified as a Variant of Uncertain Significance.